The following is an entry in ClinVar:

NM_178335.3(CCDC50):c.1231C>A (p.Pro411Thr)

Gene: CCDC50 (coiled-coil domain containing 50; plus strand). Cytogenetic location: 3q28.
Variant type: single nucleotide variant.
Coding change: c.1231C>A on transcript NM_178335.3 (MANE Select); coding-DNA position 1231, C replaced by A.
Protein change: p.Pro411Thr; replaces proline 411 with threonine.
Molecular consequence: missense variant.
Genome position (GRCh38, 1-based): chr3:191,380,921, C>A. VCF-style: chr3-191380921-C-A. GRCh37 (hg19) VCF-style: chr3-191098710-C-A.
Other names: c.703C>A, p.Pro235Thr (NM_174908.4); short protein forms P235T, P411T.
Identifiers: ClinVar variation 2606405 (VCV002606405.3), dbSNP rs138707536, ClinGen allele CA2755487.

ClinVar aggregate classification (germline): Uncertain significance. Review status: criteria provided, multiple submitters, no conflicts (2 of 4 stars). 2 submissions from 2 submitters: Uncertain significance (2). Last evaluated 2025-08-08.

Allele frequency attached by ClinVar (database versions not stated): ExAC 0.00005.
gnomAD v4.1: 41 of 1,611,620 alleles (0.0025%); highest among the groups gnomAD compares: South Asian, 0.043%; no homozygotes.

Submissions (2):

GeneDx
Classification: Uncertain significance. Last evaluated: 2025-08-08. Review status: criteria provided, single submitter. Criteria: GeneDx Variant Classification Process June 2021. Collection method: clinical testing. Allele origin: germline. Affected: yes.
Comment: In silico analysis supports that this missense variant has a deleterious effect on protein structure/function; Has not been previously published as pathogenic or benign to our knowledge

Ambry Genetics
Classification: Uncertain significance. Last evaluated: 2023-06-26. Review status: criteria provided, single submitter. Criteria: Ambry Variant Classification Scheme 2023. Collection method: clinical testing. Allele origin: germline.